The following is an entry in ClinVar:

ClinVar aggregate classification (germline): Pathogenic (1 of 4 stars; one submission).

Conditions:
Primary ciliary dyskinesia 3. Identifiers: Orphanet 244, MedGen C1837618, MONDO:0012085, OMIM 608644.

Submission:

Myriad Genetics, Inc.
Classification: Pathogenic for Primary ciliary dyskinesia 3. Last evaluated: 2024-05-14. Review status: criteria provided, single submitter. Criteria: Myriad Autosomal Dominant, Autosomal Recessive and X-Linked Classification Criteria (2023). Collection method: clinical testing. Allele origin: unknown.
Comment: NM_001369.2(DNAH5):c.5535_5536delCCinsTCTA(R1847Lfs*25) is expected to be pathogenic in the context of primary ciliary dyskinesia, DNAH5-related. This variant is predicted to lead to an abnormal or absent protein product due to the creation of a premature termination codon in DNAH5, a gene where loss-of-function variants are known to be pathogenic. Please note: this variant was assessed in the context of healthy population screening.

NM_001369.3(DNAH5):c.5535_5536delinsTCTA (p.Arg1847fs)

Gene: DNAH5 (dynein axonemal heavy chain 5; minus strand). Cytogenetic location: 5p15.2.
Variant type: Indel.
Coding change: c.5535_5536delinsTCTA on transcript NM_001369.3 (MANE Select); coding-DNA positions 5535 to 5536, CC replaced by TCTA.
Protein change: p.Arg1847fs; shifts the reading frame from arginine 1847.
Molecular consequence: frameshift variant.
Genome position (GRCh38, 1-based): chr5:13,841,079-13,841,080, GG replaced by TAGA on the plus strand (CC replaced by TCTA on the coding strand, the reverse complement: DNAH5 is on the minus strand). VCF-style: chr5-13841079-GG-TAGA. GRCh37 (hg19) VCF-style: chr5-13841188-GG-TAGA.
Other names: short protein forms R1847fs.
Identifiers: ClinVar variation 5010443 (VCV005010443.1).